The following is an entry in ClinVar:

NM_000487.6(ARSA):c.902G>A (p.Arg301Gln)

Gene: ARSA (arylsulfatase A; minus strand). Cytogenetic location: 22q13.33.
Variant type: single nucleotide variant.
Coding change: c.902G>A on transcript NM_000487.6 (MANE Select); coding-DNA position 902, G replaced by A.
Protein change: p.Arg301Gln; replaces arginine 301 with glutamine.
Molecular consequence: missense variant.
Genome position (GRCh38, 1-based): chr22:50,626,231, C>T on the plus strand (G>A on the coding strand, the complement: ARSA is on the minus strand). VCF-style: chr22-50626231-C-T. GRCh37 (hg19) VCF-style: chr22-51064659-C-T.
Other names: p.Arg301Gln; c.902G>A, p.Arg301Gln (NM_001085425.3, NM_001085426.3, NM_001085427.3); c.644G>A, p.Arg215Gln (NM_001085428.3, NM_001362782.2); short protein forms R301Q, R215Q.
Identifiers: ClinVar variation 568168 (VCV000568168.11), dbSNP rs573456864, ClinGen allele CA10324880.

ClinVar aggregate classification (germline): Uncertain significance. Review status: criteria provided, multiple submitters, no conflicts (2 of 4 stars). 4 submissions from 4 submitters: Uncertain significance (3). 1 of the submissions does not count toward it. Last evaluated 2022-08-16.

Conditions:
Metachromatic leukodystrophy (MLD). Also called: ARSA DEFICIENCY; SULFATIDE LIPIDOSIS; Cerebral sclerosis diffuse metachromatic form; Arylsulfatase A Deficiency; CEREBROSIDE SULFATASE DEFICIENCY; METACHROMATIC LEUKOENCEPHALOPATHY. Identifiers: Orphanet 512, MedGen C0023522, MONDO:0018868, OMIM 250100.

Allele frequency attached by ClinVar (database versions not stated): TOPMed 0.00002; ExAC 0.00003; gnomAD exomes 0.00003; 1000 Genomes Project 30x 0.00016; 1000 Genomes Project 0.00020.
gnomAD v4.1: 31 of 1,613,548 alleles (0.0019%); highest among the groups gnomAD compares: East Asian, 0.011%; no homozygotes.

Submissions (4):

Labcorp Genetics (formerly Invitae), Labcorp
Classification: Uncertain significance for Metachromatic leukodystrophy. Last evaluated: 2022-08-16. Review status: criteria provided, single submitter. Criteria: Invitae Variant Classification Sherloc (09022015). Collection method: clinical testing. Allele origin: germline.
Comment: This sequence change replaces arginine, which is basic and polar, with glutamine, which is neutral and polar, at codon 301 of the ARSA protein (p.Arg301Gln). This variant is present in population databases (rs573456864, gnomAD 0.02%). This variant has not been reported in the literature in individuals affected with ARSA-related conditions. ClinVar contains an entry for this variant (Variation ID: 568168). Advanced modeling of protein sequence and biophysical properties (such as structural, functional, and spatial information, amino acid conservation, physicochemical variation, residue mobility, and thermodynamic stability) performed at Invitae indicates that this missense variant is expected to disrupt ARSA protein function. Algorithms developed to predict the effect of sequence changes on RNA splicing suggest that this variant may create or strengthen a splice site. This variant disrupts the p.Arg301 amino acid residue in ARSA. Other variant(s) that disrupt this residue have been observed in individuals with ARSA-related conditions (PMID: 12809637, 30674982), which suggests that this may be a clinically significant amino acid residue. In summary, the available evidence is currently insufficient to determine the role of this variant in disease. Therefore, it has been classified as a Variant of Uncertain Significance.

Fulgent Genetics
Classification: Uncertain significance for Metachromatic leukodystrophy. Last evaluated: 2022-04-13. Review status: criteria provided, single submitter. Criteria: ACMG Guidelines, 2015. Collection method: clinical testing. Allele origin: unknown.

Foundation for Research in Genetics and Endocrinology, FRIGE's Institute of Human Genetics
Classification: Uncertain significance for Metachromatic leukodystrophy. Review status: criteria provided, single submitter. Criteria: ACMG Guidelines, 2015. Collection method: clinical testing. Allele origin: germline. Inheritance: Autosomal recessive inheritance. Affected: yes. Observed: 1 heterozygote.
Comment: A Heterozygous missense variation in exon 5 of the ARSA gene that results in the amino acid substitution of glutamine for Arginine at codon 301 was detected. The observed variant c.902G>A (p.Arg301Gln) has not been reported in the 1000 genomes and has MAF of 0.003% in gnomAD databases. The in silico prediction of the variant are possibly damaging by MutationTaster2. The reference codon is conserved across species.In summary, the variant meets our criteria to be classified as a variant of uncertain significance.

Natera, Inc.
Classification: Uncertain significance for Metachromatic leukodystrophy. Last evaluated: 2019-10-28. Review status: no assertion criteria provided. Collection method: clinical testing. Allele origin: germline. Not counted in ClinVar's aggregate classification.

Literature cited by the submitters: PubMed 12809637 (cited by Labcorp Genetics (formerly Invitae), Labcorp); PubMed 30674982 (cited by Labcorp Genetics (formerly Invitae), Labcorp).